The following is an entry in ClinVar:

NM_138387.4(G6PC3):c.619A>G (p.Met207Val)

Gene: G6PC3 (glucose-6-phosphatase catalytic subunit 3; plus strand). Cytogenetic location: 17q21.31.
Variant type: single nucleotide variant.
Coding change: c.619A>G on transcript NM_138387.4 (MANE Select); coding-DNA position 619, A replaced by G.
Protein change: p.Met207Val; replaces methionine 207 with valine.
Molecular consequence: missense variant.
Genome position (GRCh38, 1-based): chr17:44,075,393, A>G. VCF-style: chr17-44075393-A-G. GRCh37 (hg19) VCF-style: chr17-42152761-A-G.
Other names: c.500A>G, p.His167Arg (NM_001319945.2); c.274A>G, p.Met92Val (NM_001384165.1, NM_001384166.1, NM_001384167.1 and 1 more transcripts); short protein forms H167R, M92V, M207V.
Identifiers: ClinVar variation 3518046 (VCV003518046.1).

ClinVar aggregate classification (germline): Uncertain significance (1 of 4 stars; one submission).

Conditions:
Inborn genetic diseases. Identifiers: MedGen C0950123, MeSH D030342.

gnomAD v4.1: 2 of 1,614,058 alleles (0.00012%); highest among the groups gnomAD compares: African/African-American, 0.0013%; no homozygotes.

Submission:

Ambry Genetics
Classification: Uncertain significance for Inborn genetic diseases. Last evaluated: 2024-10-15. Review status: criteria provided, single submitter. Criteria: Ambry Variant Classification Scheme 2023. Collection method: clinical testing. Allele origin: germline.
Comment: The p.M207V variant (also known as c.619A>G), located in coding exon 5 of the G6PC3 gene, results from an A to G substitution at nucleotide position 619. The methionine at codon 207 is replaced by valine, an amino acid with highly similar properties. This amino acid position is conserved. In addition, this alteration is predicted to be tolerated by in silico analysis. Based on the available evidence, the clinical significance of this variant remains unclear.